The following is an entry in ClinVar:

NM_000063.6(C2):c.160G>A (p.Gly54Ser)

Gene: C2 (complement C2; plus strand). Cytogenetic location: 6p21.33.
Variant type: single nucleotide variant.
Coding change: c.160G>A on transcript NM_000063.6 (MANE Select); coding-DNA position 160, G replaced by A.
Protein change: p.Gly54Ser; replaces glycine 54 with serine.
Molecular consequence: missense variant. On other transcripts: synonymous variant (1), genic upstream transcript variant (2), intron variant (1).
Genome position (GRCh38, 1-based): chr6:31,928,068, G>A. VCF-style: chr6-31928068-G-A. GRCh37 (hg19) VCF-style: chr6-31895845-G-A.
Other names: c.45G>A, p.Arg15= (NM_001282458.2); c.160G>A, p.Gly54Ser (NM_001282459.2); c.-63-5542G>A (NM_001282457.2); c.74-5542G>A (NM_001178063.3); c.46+270G>A (NM_001145903.3); short protein forms G54S.
Identifiers: ClinVar variation 2748897 (VCV002748897.3), dbSNP rs1191534427, ClinGen allele CA363488840.

ClinVar aggregate classification (germline): Uncertain significance (1 of 4 stars; one submission).

Allele frequency attached by ClinVar (database versions not stated): gnomAD exomes below 0.00001.
gnomAD v4.1: 4 of 1,614,044 alleles (0.00025%); highest among the groups gnomAD compares: Non-Finnish European, 0.00034%; no homozygotes.

Submission:

Labcorp Genetics (formerly Invitae), Labcorp
Classification: Uncertain significance. Last evaluated: 2023-07-31. Review status: criteria provided, single submitter. Criteria: Invitae Variant Classification Sherloc (09022015). Collection method: clinical testing. Allele origin: germline.
Comment: Advanced modeling of protein sequence and biophysical properties (such as structural, functional, and spatial information, amino acid conservation, physicochemical variation, residue mobility, and thermodynamic stability) performed at Invitae indicates that this missense variant is not expected to disrupt C2 protein function. In summary, the available evidence is currently insufficient to determine the role of this variant in disease. Therefore, it has been classified as a Variant of Uncertain Significance. This sequence change replaces glycine, which is neutral and non-polar, with serine, which is neutral and polar, at codon 54 of the C2 protein (p.Gly54Ser). This variant is present in population databases (no rsID available, gnomAD 0.0009%). This variant has not been reported in the literature in individuals affected with C2-related conditions.